The following is an entry in ClinVar:

NM_199355.4(ADAMTS18):c.2592G>A (p.Met864Ile)

Gene: ADAMTS18 (ADAM metallopeptidase with thrombospondin type 1 motif 18; minus strand). Cytogenetic location: 16q23.1.
Variant type: single nucleotide variant.
Coding change: c.2592G>A on transcript NM_199355.4 (MANE Select); coding-DNA position 2592, G replaced by A.
Protein change: p.Met864Ile; replaces methionine 864 with isoleucine.
Molecular consequence: missense variant.
Genome position (GRCh38, 1-based): chr16:77,300,345, C>T on the plus strand (G>A on the coding strand, the complement: ADAMTS18 is on the minus strand). VCF-style: chr16-77300345-C-T. GRCh37 (hg19) VCF-style: chr16-77334242-C-T.
Other names: c.2592G>A (NM_199355.2); c.2076G>A, p.Met692Ile (NM_001326358.2); short protein forms M692I, M864I.
Identifiers: ClinVar variation 959413 (VCV000959413.8), dbSNP rs1293402616, ClinGen allele CA396823728.
Genomic context (GRCh38, chr16:77,300,345, plus strand): 5'-CTCTGACTGCACGATACTCCAGGTATAGGCAGGTCTTTTTGTGGCTGGTGGAGTTCCATT[C>T]ATGACCTTGGGAAGTGCATACTTCCAAGCTATCCCTGGATTTTTGCCTTGCATCAGAATC-3'
Protein context (NP_955387.1, residues 854-874): IAWKYALPKV[Met864Ile]NGTPPATKRP

ClinVar aggregate classification (germline): Uncertain significance. Review status: criteria provided, multiple submitters, no conflicts (2 of 4 stars). 2 submissions from 2 submitters: Uncertain significance (2). Last evaluated 2025-11-26.

Conditions:
Inborn genetic diseases. Identifiers: MedGen C0950123, MeSH D030342.

Allele frequency attached by ClinVar (database versions not stated): gnomAD exomes below 0.00001 and 0.00003; TOPMed 0.00002; gnomAD 0.00002.
gnomAD v4.1: 49 of 1,613,884 alleles (0.003%); highest among the groups gnomAD compares: Non-Finnish European, 0.0042%; no homozygotes.

Submissions (2):

Ambry Genetics
Classification: Uncertain significance for Inborn genetic diseases. Last evaluated: 2025-11-26. Review status: criteria provided, single submitter. Criteria: Ambry Variant Classification Scheme 2023. Collection method: clinical testing. Allele origin: germline.

Labcorp Genetics (formerly Invitae), Labcorp
Classification: Uncertain significance. Last evaluated: 2022-06-20. Review status: criteria provided, single submitter. Criteria: Invitae Variant Classification Sherloc (09022015). Collection method: clinical testing. Allele origin: germline.
Comment: This sequence change replaces methionine, which is neutral and non-polar, with isoleucine, which is neutral and non-polar, at codon 864 of the ADAMTS18 protein (p.Met864Ile). This variant is present in population databases (no rsID available, gnomAD 0.002%). This variant has not been reported in the literature in individuals affected with ADAMTS18-related conditions. ClinVar contains an entry for this variant (Variation ID: 959413). Algorithms developed to predict the effect of missense changes on protein structure and function are either unavailable or do not agree on the potential impact of this missense change (SIFT: "Not Available"; PolyPhen-2: "Benign"; Align-GVGD: "Not Available"). In summary, the available evidence is currently insufficient to determine the role of this variant in disease. Therefore, it has been classified as a Variant of Uncertain Significance.